The following is an entry in ClinVar:

ClinVar aggregate classification (germline): Uncertain significance (1 of 4 stars; one submission).

gnomAD v4.1: 2 of 1,613,906 alleles (0.00012%); highest among the groups gnomAD compares: Non-Finnish European, 0.00017%; no homozygotes.

Submission:

Labcorp Genetics (formerly Invitae), Labcorp
Classification: Uncertain significance. Last evaluated: 2024-03-16. Review status: criteria provided, single submitter. Criteria: Invitae Variant Classification Sherloc (09022015). Collection method: clinical testing. Allele origin: germline.
Comment: This sequence change replaces tyrosine, which is neutral and polar, with cysteine, which is neutral and slightly polar, at codon 116 of the ROR2 protein (p.Tyr116Cys). This variant is not present in population databases (gnomAD no frequency). This variant has not been reported in the literature in individuals affected with ROR2-related conditions. Advanced modeling of protein sequence and biophysical properties (such as structural, functional, and spatial information, amino acid conservation, physicochemical variation, residue mobility, and thermodynamic stability) performed at Invitae indicates that this missense variant is not expected to disrupt ROR2 protein function with a negative predictive value of 95%. In summary, the available evidence is currently insufficient to determine the role of this variant in disease. Therefore, it has been classified as a Variant of Uncertain Significance.

NM_004560.4(ROR2):c.347A>G (p.Tyr116Cys)

Gene: ROR2 (receptor tyrosine kinase like orphan receptor 2; minus strand). Cytogenetic location: 9q22.31.
Variant type: single nucleotide variant.
Coding change: c.347A>G on transcript NM_004560.4 (MANE Select); coding-DNA position 347, A replaced by G.
Protein change: p.Tyr116Cys; replaces tyrosine 116 with cysteine.
Molecular consequence: missense variant.
Genome position (GRCh38, 1-based): chr9:91,757,388, T>C on the plus strand (A>G on the coding strand, the complement: ROR2 is on the minus strand). VCF-style: chr9-91757388-T-C. GRCh37 (hg19) VCF-style: chr9-94519670-T-C.
Other names: c.347A>G, p.Tyr116Cys (NM_001318204.2); short protein forms Y116C.
Identifiers: ClinVar variation 3627781 (VCV003627781.2).
Genomic context (GRCh38, chr9:91,757,388, plus strand): 5'-ACGCACTGGTAGTAGCCAGTGTCTGTCGTGTCCAGGTCCTGGATTCGCAGTCGTGAACCA[T>C]ATTCTGTCTTCCGGATGATGATCCGCCGCGGCTCCTGCACCACCGGGGCATCATTCTTTA-3'
Protein context (NP_004551.2, residues 106-126): PRRIIIRKTE[Tyr116Cys]GSRLRIQDLD